The following is an entry in ClinVar:

ClinVar aggregate classification (germline): Uncertain significance (1 of 4 stars; one submission).

Allele frequency attached by ClinVar (database versions not stated): TOPMed below 0.00001; ExAC 0.00001; gnomAD exomes 0.00001.
gnomAD v4.1: 3 of 1,614,096 alleles (0.00019%); highest among the groups gnomAD compares: Non-Finnish European, 0.00025%; no homozygotes.

Submission:

Labcorp Genetics (formerly Invitae), Labcorp
Classification: Uncertain significance. Last evaluated: 2022-10-14. Review status: criteria provided, single submitter. Criteria: Invitae Variant Classification Sherloc (09022015). Collection method: clinical testing. Allele origin: germline.
Comment: In summary, the available evidence is currently insufficient to determine the role of this variant in disease. Therefore, it has been classified as a Variant of Uncertain Significance. This sequence change replaces isoleucine, which is neutral and non-polar, with phenylalanine, which is neutral and non-polar, at codon 1264 of the FREM2 protein (p.Ile1264Phe). This variant is present in population databases (rs755010373, gnomAD 0.0009%). This variant has not been reported in the literature in individuals affected with FREM2-related conditions. Advanced modeling of protein sequence and biophysical properties (such as structural, functional, and spatial information, amino acid conservation, physicochemical variation, residue mobility, and thermodynamic stability) performed at Invitae indicates that this missense variant is not expected to disrupt FREM2 protein function.

NM_207361.6(FREM2):c.3790A>T (p.Ile1264Phe)

Gene: FREM2 (FRAS1 related extracellular matrix 2; plus strand). Cytogenetic location: 13q13.3.
Variant type: single nucleotide variant.
Coding change: c.3790A>T on transcript NM_207361.6 (MANE Select); coding-DNA position 3790, A replaced by T.
Protein change: p.Ile1264Phe; replaces isoleucine 1264 with phenylalanine.
Molecular consequence: missense variant.
Genome position (GRCh38, 1-based): chr13:38,691,134, A>T. VCF-style: chr13-38691134-A-T. GRCh37 (hg19) VCF-style: chr13-39265271-A-T.
Other names: short protein forms I1264F.
Identifiers: ClinVar variation 1719201 (VCV001719201.4), dbSNP rs755010373, ClinGen allele CA6954851.